The following is an entry in ClinVar:

ClinVar aggregate classification (germline): Likely pathogenic (1 of 4 stars; one submission).

Conditions:
Coffin-Siris syndrome 1 (CSS1). Also called: ARID1B-Related Coffin-Siris Syndrome; Mental retardation, autosomal dominant 12. Identifiers: Orphanet 1465, MedGen C3281201, MONDO:0007617, OMIM 135900. Disease mechanism: gain of function.

Submission:

Dasa
Classification: Likely pathogenic for Coffin-Siris syndrome 1. Last evaluated: 2025-11-25. Review status: criteria provided, single submitter. Criteria: DASA Assertion Criteria. Collection method: clinical testing. Allele origin: germline.
Comment: NM_001374828.1(ARID1B):c.6409dup (p.Trp2137Leufs*10) is a frameshift variant in ARID1B predicted to alter the reading frame and introduce a premature termination codon and is predicted to result in an absent or altered protein product. Loss of function is an established disease mechanism for ARID1B (PMID: 22426308; PMID: 21801163; PMID: 22405089). Also, this variant is absent from population databases. Based on the currently available evidence, this variant is classified as likely pathogenic.

Literature cited by the submitters: PubMed 22426308; PubMed 21801163; PubMed 22405089.

NM_001374828.1(ARID1B):c.6409dup (p.Trp2137fs)

Gene: ARID1B (AT-rich interaction domain 1B; plus strand). Cytogenetic location: 6q25.3.
Variant type: Duplication.
Coding change: c.6409dup on transcript NM_001374828.1 (MANE Select); coding-DNA position 6409, one base duplicated (T; older notation c.6409dupT).
Protein change: p.Trp2137fs; shifts the reading frame from tryptophan 2137.
Molecular consequence: frameshift variant.
Genome position (GRCh38, 1-based): chr6:157,207,181, T duplicated. VCF-style (leftmost placement, unchanged base first): chr6-157207180-G-GT. GRCh37 (hg19) VCF-style: chr6-157528314-G-GT.
Other names: c.6292dup, p.Trp2098fs (NM_001438486.1); c.6229dup, p.Trp2077fs (NM_001438487.1); c.3751dup, p.Trp1251fs (NM_001438488.1); c.6250dup, p.Trp2084fs (NM_017519.3); c.3910dup, p.Trp1304fs (NM_001363725.2); c.6289dup, p.Trp2097fs (NM_001371656.1, NM_001374820.1); c.6538dup, p.Trp2180fs (NM_001438482.1); c.6451dup, p.Trp2151fs (NM_001438483.1); and 1 more; short protein forms W1251fs, W1304fs, W2077fs, W2084fs, W2097fs, W2098fs, W2107fs, W2137fs.
Identifiers: ClinVar variation 4884251 (VCV004884251.2).
Genomic context (GRCh38, chr6:157,207,180, plus strand): 5'-GACCTATGAGAAAGAGGAGGATGAGGACAAGGGGGTGGCCTGCAGCAAAGATGAGTGGTG[G>GT]TGGGACTGCCTCGAGGTCTTGAGGGATAACACGTTGGTCACGTTGGCCAACATTTCCGGG-3'